The following is an entry in ClinVar:

ClinVar aggregate classification (germline): Uncertain significance. Review status: criteria provided, multiple submitters, no conflicts (2 of 4 stars). 2 submissions from 2 submitters: Uncertain significance (2). Last evaluated 2025-12-09.

Conditions:
Immunodeficiency 39 (IMD39). Identifiers: Orphanet 574918, MedGen C4225358, MONDO:0014597, OMIM 616345.

Allele frequency attached by ClinVar (database versions not stated): TOPMed 0.00001; gnomAD 0.00003; gnomAD exomes 0.00001.
gnomAD v4.1: 23 of 1,604,096 alleles (0.0014%); highest among the groups gnomAD compares: Non-Finnish European, 0.002%; no homozygotes.

Submissions (2):

Labcorp Genetics (formerly Invitae), Labcorp
Classification: Uncertain significance for Immunodeficiency 39. Last evaluated: 2025-12-09. Review status: criteria provided, single submitter. Criteria: Invitae Variant Classification Sherloc (09022015). Collection method: clinical testing. Allele origin: germline.
Comment: This sequence change replaces proline, which is neutral and non-polar, with alanine, which is neutral and non-polar, at codon 368 of the IRF7 protein (p.Pro368Ala). This variant is present in population databases (no rsID available, gnomAD 0.002%). This variant has not been reported in the literature in individuals affected with IRF7-related conditions. ClinVar contains an entry for this variant (Variation ID: 2891780). Invitae Evidence Modeling of protein sequence and biophysical properties (such as structural, functional, and spatial information, amino acid conservation, physicochemical variation, residue mobility, and thermodynamic stability) indicates that this missense variant is not expected to disrupt IRF7 protein function with a negative predictive value of 80%. In summary, the available evidence is currently insufficient to determine the role of this variant in disease. Therefore, it has been classified as a Variant of Uncertain Significance.

Ambry Genetics
Classification: Uncertain significance. Last evaluated: 2025-09-26. Review status: criteria provided, single submitter. Criteria: Ambry Variant Classification Scheme 2023. Collection method: clinical testing. Allele origin: germline.

NM_001572.5(IRF7):c.1063C>G (p.Pro355Ala)

Gene: IRF7 (interferon regulatory factor 7; minus strand). Cytogenetic location: 11p15.5.
Variant type: single nucleotide variant.
Coding change: c.1063C>G on transcript NM_001572.5 (MANE Select); coding-DNA position 1063, C replaced by G.
Protein change: p.Pro355Ala; replaces proline 355 with alanine.
Molecular consequence: missense variant.
Genome position (GRCh38, 1-based): chr11:613,380, G>C on the plus strand (C>G on the coding strand, the complement: IRF7 is on the minus strand). VCF-style: chr11-613380-G-C. GRCh37 (hg19) VCF-style: chr11-613380-G-C.
Other names: c.976C>G, p.Pro326Ala (NM_004029.4); c.1102C>G, p.Pro368Ala (NM_004031.4); c.1102C>G (NM_004031.2); short protein forms P326A, P355A, P368A.
Identifiers: ClinVar variation 2891780 (VCV002891780.4), dbSNP rs1364814025, ClinGen allele CA378979041.